The following is an entry in ClinVar:

ClinVar aggregate classification (germline): Pathogenic (1 of 4 stars; one submission).

Conditions:
Anauxetic dysplasia. Identifiers: Orphanet 93347, MedGen C1846796, MONDO:0011773.

Submission:

Labcorp Genetics (formerly Invitae), Labcorp
Classification: Pathogenic for Anauxetic dysplasia. Last evaluated: 2023-11-22. Review status: criteria provided, single submitter. Criteria: Invitae Variant Classification Sherloc (09022015). Collection method: clinical testing. Allele origin: germline.
Comment: This variant occurs in the RMRP gene, which encodes an RNA molecule that does not result in a protein product. This variant is not present in population databases (gnomAD no frequency). While this particular variant has not been reported in the literature, it is located in the promoter region between the TATA box and the transcription initiation site, and other insertions and duplications immediately upstream of the coding sequence have been reported in individuals affected with cartilage-hair hypoplasia-anauxetic dysplasia (CHH-AD) spectrum disorders (PMID: 16244706, 11207361, 12107819). While functional studies for this variant have not been reported, experimental analyses using patient derived cells, as well as in vitro transfection studies, have shown that promoter insertions result in silencing of RMRP transcription and reduced expression of the gene product (PMID: 11207361, 16254002). For these reasons, this variant has been classified as Pathogenic.

Literature cited by the submitters: PubMed 16244706; PubMed 11207361; PubMed 12107819; PubMed 16254002.

NC_000009.12:g.35658035_35658041dup

Gene: RMRP (RNA component of mitochondrial RNA processing endoribonuclease; minus strand). Cytogenetic location: 9p13.3.
Variant type: Duplication.
Genome position: GRCh38 VCF-style: chr9-35658034-C-CAGAGTAG. GRCh37 (hg19) VCF-style: chr9-35658031-C-CAGAGTAG.
Identifiers: ClinVar variation 2863465 (VCV002863465.3), dbSNP rs1472119885, ClinGen allele CA2739269243.